The following is an entry in ClinVar:

NM_014244.5(ADAMTS2):c.2750+3G>A

Gene: ADAMTS2 (ADAM metallopeptidase with thrombospondin type 1 motif 2; minus strand). Cytogenetic location: 5q35.3.
Variant type: single nucleotide variant.
Coding change: c.2750+3G>A on transcript NM_014244.5 (MANE Select); 3 bases into the intron after coding-DNA position 2750, G replaced by A.
Molecular consequence: intron variant.
Genome position (GRCh38, 1-based): chr5:179,125,995, C>T on the plus strand (G>A on the coding strand, the complement: ADAMTS2 is on the minus strand). VCF-style: chr5-179125995-C-T. GRCh37 (hg19) VCF-style: chr5-178552996-C-T.
Identifiers: ClinVar variation 1988525 (VCV001988525.2), dbSNP rs1004668991, ClinGen allele CA133030489.

ClinVar aggregate classification (germline): Uncertain significance (1 of 4 stars; one submission).

Conditions:
Ehlers-Danlos syndrome, dermatosparaxis type. Also called: Dermatosparaxis; Ehlers-Danlos syndrome, type VII, autosomal recessive; EDS VIIC. Identifiers: Orphanet 1901, MedGen C2700425, MONDO:0009161, OMIM 225410.

Allele frequency attached by ClinVar (database versions not stated): gnomAD exomes below 0.00001; TOPMed below 0.00001; gnomAD 0.00001.
gnomAD v4.1: 8 of 1,613,344 alleles (0.0005%); highest among the groups gnomAD compares: South Asian, 0.0077%; no homozygotes.

Submission:

Labcorp Genetics (formerly Invitae), Labcorp
Classification: Uncertain significance for Ehlers-Danlos syndrome, dermatosparaxis type. Last evaluated: 2025-03-07. Review status: criteria provided, single submitter. Criteria: Invitae Variant Classification Sherloc (09022015). Collection method: clinical testing. Allele origin: germline.
Comment: This sequence change falls in intron 18 of the ADAMTS2 gene. It does not directly change the encoded amino acid sequence of the ADAMTS2 protein. It affects a nucleotide within the consensus splice site. This variant is present in population databases (no rsID available, gnomAD 0.003%). This variant has not been reported in the literature in individuals affected with ADAMTS2-related conditions. ClinVar contains an entry for this variant (Variation ID: 1988525). Variants that disrupt the consensus splice site are a relatively common cause of aberrant splicing (PMID: 17576681, 9536098). Algorithms developed to predict the effect of sequence changes on RNA splicing suggest that this variant is not likely to affect RNA splicing. In summary, the available evidence is currently insufficient to determine the role of this variant in disease. Therefore, it has been classified as a Variant of Uncertain Significance.

Literature cited by the submitters: PubMed 17576681; PubMed 9536098.